The following is an entry in ClinVar:

NM_000038.6(APC):c.3593C>G (p.Ser1198Ter)

Gene: APC (APC regulator of Wnt signaling pathway; plus strand). Cytogenetic location: 5q22.2.
Variant type: single nucleotide variant.
Coding change: c.3593C>G on transcript NM_000038.6 (MANE Select); coding-DNA position 3593, C replaced by G.
Protein change: p.Ser1198Ter; replaces serine 1198 with a stop codon.
Molecular consequence: nonsense.
Genome position (GRCh38, 1-based): chr5:112,839,187, C>G. VCF-style: chr5-112839187-C-G. GRCh37 (hg19) VCF-style: chr5-112174884-C-G.
Other names: c.3593C>G, p.Ser1198Ter (NM_001127510.3, NM_001354895.2); c.3539C>G, p.Ser1180Ter (NM_001127511.3); c.3647C>G, p.Ser1216Ter (NM_001354896.2); c.3623C>G, p.Ser1208Ter (NM_001354897.2); c.3518C>G, p.Ser1173Ter (NM_001354898.2); c.3509C>G, p.Ser1170Ter (NM_001354899.2); c.3470C>G, p.Ser1157Ter (NM_001354900.2); c.3416C>G, p.Ser1139Ter (NM_001354901.2); and 5 more; short protein forms S1180*, S1198*, S1072*, S1097*, S1107*, S1170*, S1208*, S1038*.
Identifiers: ClinVar variation 246086 (VCV000246086.7), dbSNP rs879254089, ClinGen allele CA10584250.

ClinVar aggregate classification (germline): Pathogenic. Review status: criteria provided, multiple submitters, no conflicts (2 of 4 stars). 3 submissions from 3 submitters: Pathogenic (3). Last evaluated 2023-05-09.

Conditions:
Familial adenomatous polyposis 1 (FAP1). Also called: FAMILIAL ADENOMATOUS POLYPOSIS 1, ATTENUATED; POLYPOSIS, ADENOMATOUS INTESTINAL. Identifiers: MedGen C2713442, MONDO:0021056, OMIM 175100. Disease mechanism: loss of function.

Submissions (3):

Myriad Genetics, Inc.
Classification: Pathogenic for Familial adenomatous polyposis 1. Last evaluated: 2023-05-09. Review status: criteria provided, single submitter. Criteria: Myriad Autosomal Dominant, Autosomal Recessive and X-Linked Classification Criteria (2023). Collection method: clinical testing. Allele origin: unknown.
Comment: This variant is considered pathogenic. This variant creates a termination codon and is predicted to result in premature protein truncation.

Labcorp Genetics (formerly Invitae), Labcorp
Classification: Pathogenic for Familial adenomatous polyposis 1. Last evaluated: 2023-01-20. Review status: criteria provided, single submitter. Criteria: Invitae Variant Classification Sherloc (09022015). Collection method: clinical testing. Allele origin: germline.
Comment: A different truncation (p.Tyr2645Lysfs*14) that lies downstream of this variant has been determined to be pathogenic (PMID: 9824584, 1316610, 27081525, 8381579, 22135120, Invitae). This suggests that deletion of this region of the APC protein is causative of disease. For these reasons, this variant has been classified as Pathogenic. This variant is expected to disrupt the EB1 and HDLG binding sites, which mediate interactions with the cytoskeleton (PMID: 15311282, 17293347). While functional studies have not been performed to directly test the effect on APC protein function, this suggests that disruption of the C-terminal portion of the protein is functionally important. ClinVar contains an entry for this variant (Variation ID: 246086). This premature translational stop signal has been observed in individual(s) with clinical features of familial adenomatous polyposis (PMID: 7959691, 27623068). This variant is not present in population databases (gnomAD no frequency). This sequence change creates a premature translational stop signal (p.Ser1198*) in the APC gene. While this is not anticipated to result in nonsense mediated decay, it is expected to disrupt the last 1646 amino acid(s) of the APC protein.

GeneDx
Classification: Pathogenic. Last evaluated: 2015-12-22. Review status: criteria provided, single submitter. Criteria: GeneDx Variant Classification (06012015). Collection method: clinical testing. Allele origin: germline. Affected: yes.
Comment: This variant is denoted APC c.3593C>G at the cDNA level and p.Ser1198Ter (S1198X) at the protein level. The substitution creates a nonsense variant, which changes a Serine to a premature stop codon (TCA>TGA) , and is predicted to cause loss of normal protein function through protein truncation. APC Ser1198Ter results in the loss of 1646 amino acids and several protein domains are disrupted by the truncation (Azzopardi 2008, UniProt). This variant has been reported in association with familial adenomatous polyposis (Wallis 1994, Friedl 2005) and is considered pathogenic.

Literature cited by the submitters: PubMed 9824584 (cited by Labcorp Genetics (formerly Invitae), Labcorp); PubMed 1316610 (cited by Labcorp Genetics (formerly Invitae), Labcorp); PubMed 27081525 (cited by Labcorp Genetics (formerly Invitae), Labcorp); PubMed 8381579 (cited by Labcorp Genetics (formerly Invitae), Labcorp); PubMed 22135120 (cited by Labcorp Genetics (formerly Invitae), Labcorp); PubMed 15311282 (cited by Labcorp Genetics (formerly Invitae), Labcorp); PubMed 17293347 (cited by Labcorp Genetics (formerly Invitae), Labcorp); PubMed 7959691 (cited by Labcorp Genetics (formerly Invitae), Labcorp); PubMed 27623068 (cited by Labcorp Genetics (formerly Invitae), Labcorp).